The following is an entry in ClinVar:

ClinVar aggregate classification (germline): Uncertain significance. Review status: criteria provided, single submitter (1 of 4 stars). 2 submissions from 2 submitters: Uncertain significance (1). 1 of the submissions does not count toward it. Last evaluated 2018-01-13.

Conditions:
CLDN16-related disorder. Also called: CLDN16-related condition.
Primary hypomagnesemia (HOMG3). Also called: HYPOMAGNESEMIA 3, RENAL; HYPOMAGNESEMIA, FAMILIAL, WITH HYPERCALCIURIA AND NEPHROCALCINOSIS; HYPOMAGNESEMIA, ISOLATED RENAL; HYPOMAGNESEMIA, PRIMARY, DUE TO DEFECT IN RENAL TUBULAR TRANSPORT OF MAGNESIUM. Identifiers: Orphanet 31043, MedGen C0268448, MONDO:0009550, OMIM 248250.

Allele frequency attached by ClinVar (database versions not stated): gnomAD exomes below 0.00001 and 0.00003; gnomAD 0.00002.
gnomAD v4.1: 22 of 1,614,068 alleles (0.0014%); highest among the groups gnomAD compares: Middle Eastern, 0.31%; no homozygotes.

Submissions (2):

Illumina Laboratory Services, Illumina
Classification: Uncertain significance for Primary hypomagnesemia. Last evaluated: 2018-01-13. Review status: criteria provided, single submitter. Criteria: ICSL Variant Classification Criteria 13 December 2019. Collection method: clinical testing. Allele origin: germline.

PreventionGenetics, part of Exact Sciences
Classification: Uncertain significance for CLDN16-related condition. Last evaluated: 2024-03-27. Review status: no assertion criteria provided. Collection method: clinical testing. Allele origin: germline. Not counted in ClinVar's aggregate classification.
Comment: The CLDN16 c.227A>C variant is predicted to result in the amino acid substitution p.Gln76Pro. To our knowledge, this variant has not been reported in the literature or in a large population database. At this time, the clinical significance of this variant is uncertain due to the absence of conclusive functional and genetic evidence.

NM_006580.4(CLDN16):c.17A>C (p.Gln6Pro)

Gene: CLDN16 (claudin 16; plus strand). Cytogenetic location: 3q28.
Variant type: single nucleotide variant.
Coding change: c.17A>C on transcript NM_006580.4 (MANE Select); coding-DNA position 17, A replaced by C.
Protein change: p.Gln6Pro; replaces glutamine 6 with proline.
Molecular consequence: missense variant.
Genome position (GRCh38, 1-based): chr3:190,388,346, A>C. VCF-style: chr3-190388346-A-C. GRCh37 (hg19) VCF-style: chr3-190106135-A-C.
Other names: c.17A>C, p.Gln6Pro (NM_001378492.1, NM_001378493.1); short protein forms Q76P, Q6P.
Identifiers: ClinVar variation 344446 (VCV000344446.6), dbSNP rs867514971, ClinGen allele CA10618255.
Genomic context (GRCh38, chr3:190,388,346, plus strand): 5'-CTGGTGTCTGCCCATGTTGCCATCCTGATGGGCTGCTTGCCACAATGAGGGATCTTCTTC[A>C]ATACATCGCTTGCTTCTTTGCCTTTTTCTCTGCTGGGTTTTTGATTGTGGCCACCTGGAC-3'
Protein context (NP_006571.2, residues 1-16): MRDLL[Gln6Pro]YIACFFAFFS